The following is an entry in ClinVar:

NM_000264.5(PTCH1):c.158C>G (p.Pro53Arg)

Genes: PTCH1 (patched 1; minus strand), LOC130002133 (ATAC-STARR-seq lymphoblastoid silent region 20071; plus strand). Cytogenetic location: 9q22.32.
Variant type: single nucleotide variant.
Coding change: c.158C>G on transcript NM_000264.5 (MANE Select); coding-DNA position 158, C replaced by G.
Protein change: p.Pro53Arg; replaces proline 53 with arginine.
Molecular consequence: missense variant. On other transcripts: non-coding transcript variant (1), intron variant (3).
Genome position (GRCh38, 1-based): chr9:95,508,204, G>C on the plus strand (C>G on the coding strand, the complement: PTCH1 is on the minus strand). VCF-style: chr9-95508204-G-C. GRCh37 (hg19) VCF-style: chr9-98270486-G-C.
Other names: c.158C>G, p.Pro53Arg (NM_001354918.2); c.199-1605C>G (NM_001083603.3); c.4-1605C>G (NM_001083602.3, NM_001354919.2); short protein forms P53R.
Identifiers: ClinVar variation 647046 (VCV000647046.9), dbSNP rs372546614, ClinGen allele CA374121332.

ClinVar aggregate classification (germline): Uncertain significance (1 of 4 stars; one submission).

Conditions:
Gorlin syndrome. Also called: Basal cell nevus syndrome; Nevoid Basal Cell Carcinoma Syndrome. Identifiers: Orphanet 377, MedGen C0004779, MONDO:0007187.

Submission:

Labcorp Genetics (formerly Invitae), Labcorp
Classification: Uncertain significance for Gorlin syndrome. Last evaluated: 2023-07-17. Review status: criteria provided, single submitter. Criteria: Invitae Variant Classification Sherloc (09022015). Collection method: clinical testing. Allele origin: germline.
Comment: In summary, the available evidence is currently insufficient to determine the role of this variant in disease. Therefore, it has been classified as a Variant of Uncertain Significance. Advanced modeling of protein sequence and biophysical properties (such as structural, functional, and spatial information, amino acid conservation, physicochemical variation, residue mobility, and thermodynamic stability) has been performed at Invitae for this missense variant, however the output from this modeling did not meet the statistical confidence thresholds required to predict the impact of this variant on PTCH1 protein function. ClinVar contains an entry for this variant (Variation ID: 647046). This variant has not been reported in the literature in individuals affected with PTCH1-related conditions. This variant is not present in population databases (gnomAD no frequency). This sequence change replaces proline, which is neutral and non-polar, with arginine, which is basic and polar, at codon 53 of the PTCH1 protein (p.Pro53Arg).